The following is an entry in ClinVar:

ClinVar aggregate classification (germline): Uncertain significance. Review status: criteria provided, multiple submitters, no conflicts (2 of 4 stars). 2 submissions from 2 submitters: Uncertain significance (2). Last evaluated 2024-11-11.

Conditions:
Inborn genetic diseases. Identifiers: MedGen C0950123, MeSH D030342.

Allele frequency attached by ClinVar (database versions not stated): gnomAD exomes below 0.00001; ExAC 0.00001; gnomAD 0.00002; TOPMed 0.00003.
gnomAD v4.1: 6 of 1,609,694 alleles (0.00037%); highest among the groups gnomAD compares: African/African-American, 0.0067%; no homozygotes.

Submissions (2):

Labcorp Genetics (formerly Invitae), Labcorp
Classification: Uncertain significance. Last evaluated: 2024-11-11. Review status: criteria provided, single submitter. Criteria: Invitae Variant Classification Sherloc (09022015). Collection method: clinical testing. Allele origin: germline.
Comment: This sequence change replaces glutamine, which is neutral and polar, with glutamic acid, which is acidic and polar, at codon 169 of the TNNT3 protein (p.Gln169Glu). This variant is present in population databases (rs763008145, gnomAD 0.009%). This variant has not been reported in the literature in individuals affected with TNNT3-related conditions. ClinVar contains an entry for this variant (Variation ID: 1909595). An algorithm developed to predict the effect of missense changes on protein structure and function (PolyPhen-2) suggests that this variant is likely to be tolerated. In summary, the available evidence is currently insufficient to determine the role of this variant in disease. Therefore, it has been classified as a Variant of Uncertain Significance.

Ambry Genetics
Classification: Uncertain significance for Inborn genetic diseases. Last evaluated: 2024-10-28. Review status: criteria provided, single submitter. Criteria: Ambry Variant Classification Scheme 2023. Collection method: clinical testing. Allele origin: germline.

NM_006757.4(TNNT3):c.505C>G (p.Gln169Glu)

Gene: TNNT3 (troponin T3, fast skeletal type; plus strand). Cytogenetic location: 11p15.5.
Variant type: single nucleotide variant.
Coding change: c.505C>G on transcript NM_006757.4 (MANE Select); coding-DNA position 505, C replaced by G.
Protein change: p.Gln169Glu; replaces glutamine 169 with glutamic acid.
Molecular consequence: missense variant.
Genome position (GRCh38, 1-based): chr11:1,934,570, C>G. VCF-style: chr11-1934570-C-G. GRCh37 (hg19) VCF-style: chr11-1955800-C-G.
Other names: c.505C>G (NM_006757.3); c.481C>G, p.Gln161Glu (NM_001042780.3, NM_001042782.3, NM_001297646.2 and 2 more transcripts); c.499C>G, p.Gln167Glu (NM_001042781.3, NM_001367842.1, NM_001367843.1); c.514C>G, p.Gln172Glu (NM_001363561.2, NM_001367847.1); c.538C>G, p.Gln180Glu (NM_001367846.1); c.502C>G, p.Gln168Glu (NM_001367848.1); c.493C>G, p.Gln165Glu (NM_001367849.1); c.448C>G, p.Gln150Glu (NM_001367850.1); and 1 more; short protein forms Q167E, Q168E, Q172E, Q150E, Q180E, Q165E, Q169E, Q101E.
Identifiers: ClinVar variation 1909595 (VCV001909595.6), dbSNP rs763008145, ClinGen allele CA5816518.